The following is an entry in ClinVar:

NM_002911.4(UPF1):c.2419A>G (p.Met807Val)

Gene: UPF1 (UPF1 RNA helicase and ATPase; plus strand). Cytogenetic location: 19p13.11.
Variant type: single nucleotide variant.
Coding change: c.2419A>G on transcript NM_002911.4 (MANE Select); coding-DNA position 2419, A replaced by G.
Protein change: p.Met807Val; replaces methionine 807 with valine.
Molecular consequence: missense variant.
Genome position (GRCh38, 1-based): chr19:18,860,944, A>G. VCF-style: chr19-18860944-A-G. GRCh37 (hg19) VCF-style: chr19-18971753-A-G.
Other names: c.2452A>G, p.Met818Val (NM_001297549.2); short protein forms M807V, M818V.
Identifiers: ClinVar variation 4527701 (VCV004527701.1).

ClinVar aggregate classification (germline): Uncertain significance (1 of 4 stars; one submission).

Submission:

GeneDx
Classification: Uncertain significance. Last evaluated: 2025-05-05. Review status: criteria provided, single submitter. Criteria: GeneDx Variant Classification Process June 2021. Collection method: clinical testing. Allele origin: germline. Affected: yes.
Comment: Not observed at significant frequency in large population cohorts (gnomAD); In silico analysis supports that this missense variant has a deleterious effect on protein structure/function; Has not been previously published as pathogenic or benign to our knowledge